The following is an entry in ClinVar:

ClinVar aggregate classification (germline): Uncertain significance (1 of 4 stars; one submission).

Conditions:
SLCO1B3-related disorder. Also called: SLCO1B3-related condition.

Submission:

PreventionGenetics, part of Exact Sciences
Classification: Uncertain significance for SLCO1B3-related condition. Last evaluated: 2025-04-11. Review status: criteria provided, single submitter. Criteria: ACMG Guidelines, 2015. Collection method: clinical testing. Allele origin: germline.
Comment: The SLCO1B3 c.226G>A variant is predicted to result in the amino acid substitution p.Gly76Arg. To our knowledge, this variant has not been reported in the literature or in a large population database (gnomAD), indicating this variant is rare. At this time, the clinical significance of this variant is uncertain due to the absence of conclusive functional and genetic evidence.

NM_019844.4(SLCO1B3):c.226G>A (p.Gly76Arg)

Genes: SLCO1B3 (solute carrier organic anion transporter family member 1B3; plus strand), SLCO1B3-SLCO1B7 (SLCO1B3-SLCO1B7 readthrough; plus strand). Cytogenetic location: 12p12.2.
Variant type: single nucleotide variant.
Coding change: c.226G>A on transcript NM_019844.4 (MANE Select); coding-DNA position 226, G replaced by A.
Protein change: p.Gly76Arg; replaces glycine 76 with arginine.
Molecular consequence: missense variant.
Genome position (GRCh38, 1-based): chr12:20,855,169, G>A. VCF-style: chr12-20855169-G-A. GRCh37 (hg19) VCF-style: chr12-21008103-G-A.
Other names: c.226G>A, p.Gly76Arg (NM_001371097.1); c.142G>A, p.Gly48Arg (NM_001349920.2); short protein forms G76R, G48R.
Identifiers: ClinVar variation 4989569 (VCV004989569.1).